The following is an entry in ClinVar:

NM_025000.4(DCAF17):c.322-14C>T

Gene: DCAF17 (DDB1 and CUL4 associated factor 17; plus strand). Cytogenetic location: 2q31.1.
Variant type: single nucleotide variant.
Coding change: c.322-14C>T on transcript NM_025000.4 (MANE Select); 14 bases into the intron before coding-DNA position 322, C replaced by T.
Molecular consequence: intron variant.
Genome position (GRCh38, 1-based): chr2:171,448,667, C>T. VCF-style: chr2-171448667-C-T. GRCh37 (hg19) VCF-style: chr2-172305177-C-T.
Other names: c.322-14C>T (NM_001164821.2).
Identifiers: ClinVar variation 191260 (VCV000191260.25), dbSNP rs192861143, ClinGen allele CA236372.

ClinVar aggregate classification (germline): Conflicting classifications of pathogenicity. Review status: criteria provided, conflicting classifications (1 of 4 stars). 13 submissions from 13 submitters: Uncertain significance (1); Benign (6); Likely benign (1). 5 of the submissions do not count toward it. Last evaluated 2026-02-04.

Conditions:
Woodhouse-Sakati syndrome. Also called: Hypogonadism, Alopecia, Diabetes Mellitus, Mental Retardation, and Extrapyramidal Syndrome; Hypogonadism, diabetes mellitus, alopecia, mental retardation and electrocardiographic abnormalities; EXTRAPYRAMIDAL DISORDER, PROGRESSIVE, WITH PRIMARY HYPOGONADISM, MENTAL RETARDATION, AND ALOPECIA. Identifiers: Orphanet 3464, MedGen C0342286, MONDO:0009419, OMIM 241080.

Allele frequency attached by ClinVar (database versions not stated): TOPMed 0.20096; gnomAD 0.20151 and 0.20532; 1000 Genomes Project 0.20707; ExAC 0.28217; gnomAD exomes 0.31587.
gnomAD v4.1: 300,512 of 1,323,918 alleles (23%); highest among the groups gnomAD compares: Admixed American, 32%; 30,787 homozygotes.

Submissions (13):

Labcorp Genetics (formerly Invitae), Labcorp
Classification: Benign for Woodhouse-Sakati syndrome. Last evaluated: 2026-02-04. Review status: criteria provided, single submitter. Criteria: Invitae Variant Classification Sherloc (09022015). Collection method: clinical testing. Allele origin: germline.

Blueprint Genetics
Classification: Likely benign. Last evaluated: 2024-11-26. Review status: criteria provided, single submitter. Criteria: ACMG Guidelines, 2015. Collection method: clinical testing. Allele origin: germline.

Genomic Medicine Center of Excellence, King Faisal Specialist Hospital and Research Centre
Classification: Uncertain significance for Woodhouse-Sakati syndrome. Last evaluated: 2024-05-10. Review status: criteria provided, single submitter. Criteria: ACMG Guidelines, 2015. Collection method: research. Allele origin: germline. Affected: yes.

Molecular Genetics, Royal Melbourne Hospital
Classification: Benign for Woodhouse-Sakati syndrome. Last evaluated: 2021-10-04. Review status: criteria provided, single submitter. Criteria: ACMG Guidelines, 2015. Collection method: clinical testing. Allele origin: germline. Affected: no.
Comment: Population allele frequency is 30% (rs192861143, 46,946/157,936 alleles, 5344 homozygotes in gnomAD v2.1). Based on the classification scheme RMH ACMG Guidelines v1.1.1, this variant is classified as Benign. Following criteria met: BA1

Mendelics
Classification: Benign for Woodhouse-Sakati syndrome. Last evaluated: 2019-05-28. Review status: criteria provided, single submitter. Criteria: Mendelics Assertion Criteria 2017. Collection method: clinical testing. Allele origin: unknown.

Illumina Laboratory Services, Illumina
Classification: Benign for Woodhouse-Sakati syndrome. Last evaluated: 2018-01-12. Review status: criteria provided, single submitter. Criteria: ICSL Variant Classification Criteria 13 December 2019. Collection method: clinical testing. Allele origin: germline.
Comment: This variant was observed in the ICSL laboratory as part of a predisposition screen in an ostensibly healthy population. It had not been previously curated by ICSL or reported in the Human Gene Mutation Database (HGMD: prior to June 1st, 2018), and was therefore a candidate for classification through an automated scoring system. Utilizing variant allele frequency, disease prevalence and penetrance estimates, and inheritance mode, an automated score was calculated to assess if this variant is too frequent to cause the disease. Based on the score and internal cut-off values, a variant classified as benign is not then subjected to further curation. The score for this variant resulted in a classification of benign for this disease.

Breakthrough Genomics
Classification: Benign. Review status: criteria provided, single submitter. Criteria: ACMG Guidelines, 2015. Collection method: not provided. Allele origin: germline. Inheritance: Autosomal recessive inheritance. Affected: yes.

Clinical Genomics, Uppaluri K&H Personalized Medicine Clinic
Classification: Benign for Woodhouse-Sakati syndrome. Review status: criteria provided, single submitter. Criteria: K & H Uppaluri Personalized Medicine Clinic Variant Classification & Assertion Criteria_Updated V.1. Collection method: research. Allele origin: unknown. Inheritance: Autosomal recessive inheritance.
Comment: Mutations in DCAF17 have been associated with a rare syndrome called Woodhouse Sakati Syndrome, which can have diabetes mellitus as one of the presentations.However no sufficient evidence is found to ascertain the role of this particular variant rs192861143, yet.

Clinical Genetics DNA and cytogenetics Diagnostics Lab, Erasmus MC, Erasmus Medical Center
Classification: Benign. Review status: no assertion criteria provided. Collection method: clinical testing. Allele origin: germline. Affected: yes. Study: VKGL Data-share Consensus. Not counted in ClinVar's aggregate classification.

Department of Pathology and Laboratory Medicine, Sinai Health System
Classification: Benign. Review status: no assertion criteria provided. Collection method: clinical testing. Allele origin: unknown. Affected: yes. Study: The Canadian Open Genetics Repository (COGR). Not counted in ClinVar's aggregate classification.

Diagnostic Laboratory, Department of Genetics, University Medical Center Groningen
Classification: Benign for Woodhouse-Sakati syndrome. Review status: no assertion criteria provided. Collection method: clinical testing. Allele origin: germline. Affected: yes. Study: VKGL Data-share Consensus. Not counted in ClinVar's aggregate classification.

Genome Diagnostics Laboratory, Amsterdam University Medical Center
Classification: Likely benign. Review status: no assertion criteria provided. Collection method: clinical testing. Allele origin: germline. Affected: yes. Study: VKGL Data-share Consensus. Not counted in ClinVar's aggregate classification.

Genome Diagnostics Laboratory, University Medical Center Utrecht
Classification: Likely benign. Review status: no assertion criteria provided. Collection method: clinical testing. Allele origin: germline. Affected: yes. Study: VKGL Data-share Consensus. Not counted in ClinVar's aggregate classification.

Literature cited by the submitters: PubMed 31347785 (cited by Clinical Genomics, Uppaluri K&H Personalized Medicine Clinic); PubMed 35876063 (cited by Clinical Genomics, Uppaluri K&H Personalized Medicine Clinic); PubMed 27489925 (cited by Clinical Genomics, Uppaluri K&H Personalized Medicine Clinic).